The following is an entry in ClinVar:

NM_001204.7(BMPR2):c.184A>G (p.Lys62Glu)

Gene: BMPR2 (bone morphogenetic protein receptor type 2; plus strand). Cytogenetic location: 2q33.1.
Variant type: single nucleotide variant.
Coding change: c.184A>G on transcript NM_001204.7 (MANE Select); coding-DNA position 184, A replaced by G.
Protein change: p.Lys62Glu; replaces lysine 62 with glutamic acid.
Molecular consequence: missense variant.
Genome position (GRCh38, 1-based): chr2:202,464,916, A>G. VCF-style: chr2-202464916-A-G. GRCh37 (hg19) VCF-style: chr2-203329639-A-G.
Other names: short protein forms K62E.
Identifiers: ClinVar variation 3481318 (VCV003481318.1).

ClinVar aggregate classification (germline): Uncertain significance (1 of 4 stars; one submission).

Conditions:
Inborn genetic diseases. Identifiers: MedGen C0950123, MeSH D030342.

gnomAD v4.1: 3 of 1,614,052 alleles (0.00019%); highest among the groups gnomAD compares: Non-Finnish European, 0.00025%; no homozygotes.

Submission:

Ambry Genetics
Classification: Uncertain significance for Inborn genetic diseases. Last evaluated: 2024-11-28. Review status: criteria provided, single submitter. Criteria: Ambry Variant Classification Scheme 2023. Collection method: clinical testing. Allele origin: germline.
Comment: The p.K62E variant (also known as c.184A>G), located in coding exon 2 of the BMPR2 gene, results from an A to G substitution at nucleotide position 184. The lysine at codon 62 is replaced by glutamic acid, an amino acid with similar properties. This amino acid position is conserved. In addition, the in silico prediction for this alteration is inconclusive. Based on the available evidence, the clinical significance of this variant remains unclear.